The following is an entry in ClinVar:

NM_001199107.2(TBC1D24):c.596T>C (p.Val199Ala)

Gene: TBC1D24 (TBC1 domain family member 24; plus strand). Cytogenetic location: 16p13.3.
Variant type: single nucleotide variant.
Coding change: c.596T>C on transcript NM_001199107.2 (MANE Select); coding-DNA position 596, T replaced by C.
Protein change: p.Val199Ala; replaces valine 199 with alanine.
Molecular consequence: missense variant.
Genome position (GRCh38, 1-based): chr16:2,496,744, T>C. VCF-style: chr16-2496744-T-C. GRCh37 (hg19) VCF-style: chr16-2546745-T-C.
Other names: c.596T>C, p.Val199Ala (NM_020705.3); short protein forms V199A.
Identifiers: ClinVar variation 2952998 (VCV002952998.3), dbSNP rs2505514911, ClinGen allele CA394376717.

ClinVar aggregate classification (germline): Uncertain significance (1 of 4 stars; one submission).

Conditions:
Autosomal dominant nonsyndromic hearing loss 65. Also called: Deafness, autosomal dominant 65; TBC1D24-Related Autosomal Dominant Nonsyndromic Hearing Loss (DFNA). Identifiers: Orphanet 90635, MedGen C3892048, MONDO:0014470, OMIM 616044.
Developmental and epileptic encephalopathy, 1 (DEE1). Also called: INFANTILE SPASM SYNDROME, X-LINKED 1; X-linked infantile spasms; West's syndrome; Tonic spasms with clustering, arrest of psychomotor development and hypsarrhythmia on EEG; X-Linked Infantile Spasm Syndrome; OHTAHARA SYNDROME, X-LINKED. Identifiers: MedGen C3463992, MONDO:0010632, OMIM 308350. Disease mechanism: loss of function.

Submission:

Labcorp Genetics (formerly Invitae), Labcorp
Classification: Uncertain significance for Developmental and epileptic encephalopathy, 1; Autosomal dominant nonsyndromic hearing loss 65. Last evaluated: 2025-01-20. Review status: criteria provided, single submitter. Criteria: Invitae Variant Classification Sherloc (09022015). Collection method: clinical testing. Allele origin: germline.
Comment: This sequence change replaces valine, which is neutral and non-polar, with alanine, which is neutral and non-polar, at codon 199 of the TBC1D24 protein (p.Val199Ala). This variant is not present in population databases (gnomAD no frequency). This variant has not been reported in the literature in individuals affected with TBC1D24-related conditions. ClinVar contains an entry for this variant (Variation ID: 2952998). Invitae Evidence Modeling of protein sequence and biophysical properties (such as structural, functional, and spatial information, amino acid conservation, physicochemical variation, residue mobility, and thermodynamic stability) indicates that this missense variant is not expected to disrupt TBC1D24 protein function with a negative predictive value of 80%. In summary, the available evidence is currently insufficient to determine the role of this variant in disease. Therefore, it has been classified as a Variant of Uncertain Significance.